The following is an entry in ClinVar:

NM_020320.5(RARS2):c.1210A>G (p.Met404Val)

Gene: RARS2 (arginyl-tRNA synthetase 2, mitochondrial; minus strand). Cytogenetic location: 6q15.
Variant type: single nucleotide variant.
Coding change: c.1210A>G on transcript NM_020320.5 (MANE Select); coding-DNA position 1210, A replaced by G.
Protein change: p.Met404Val; replaces methionine 404 with valine.
Molecular consequence: missense variant. On other transcripts: non-coding transcript variant (23).
Genome position (GRCh38, 1-based): chr6:87,519,610, T>C on the plus strand (A>G on the coding strand, the complement: RARS2 is on the minus strand). VCF-style: chr6-87519610-T-C. GRCh37 (hg19) VCF-style: chr6-88229328-T-C.
Other names: c.1210A>G (NM_020320.4); c.685A>G, p.Met229Val (NM_001318785.2, NM_001350506.2, NM_001350507.2 and 4 more transcripts); c.1210A>G, p.Met404Val (NM_001350505.2); short protein forms M229V, M404V.
Identifiers: ClinVar variation 2678243 (VCV002678243.8), dbSNP rs753913206, ClinGen allele CA3916368.

ClinVar aggregate classification (germline): Likely pathogenic. Review status: criteria provided, multiple submitters, no conflicts (2 of 4 stars). 5 submissions from 5 submitters: Likely pathogenic (5). Last evaluated 2025-09-24.

Conditions:
Pontocerebellar hypoplasia type 6 (PCH6). Identifiers: Orphanet 166073, MedGen C1969084, MONDO:0012683, OMIM 611523.

Allele frequency attached by ClinVar (database versions not stated): gnomAD exomes below 0.00001; ExAC 0.00001.
gnomAD v4.1: 2 of 1,612,724 alleles (0.00012%); highest among the groups gnomAD compares: East Asian, 0.0045%; no homozygotes.

Submissions (5):

Genesolutions, Medical Genetics Institutes, Ho Chi Minh City, Vietnam
Classification: Likely pathogenic for Pontocerebellar hypoplasia type 6. Last evaluated: 2025-09-24. Review status: criteria provided, single submitter. Criteria: ACMG Guidelines, 2015. Collection method: clinical testing. Allele origin: germline. Affected: yes.

Natera, Inc.
Classification: Likely pathogenic for Pontocerebellar hypoplasia, type 6. Last evaluated: 2024-12-10. Review status: criteria provided, single submitter. Criteria: Natera Variant Classification Schema (03/2026). Collection method: clinical testing. Allele origin: germline.
Comment: The c.1210A>G variant in RARS2 is a missense variant predicted to cause substitution of methionine to valine at amino acid 404. This variant is rare in the general population with a frequency below the threshold expected for the associated phenotype(s). This variant has been observed in one or more individuals affected with the associated recessive disease, as either homozygous or compound heterozygous with a second variant (PMID: 35468344). A different variant at the same position has been determined to be Pathogenic or Likely Pathogenic. Given the available evidence, this variant is classified as Likely Pathogenic.

Baylor Genetics
Classification: Likely pathogenic for Pontocerebellar hypoplasia type 6. Last evaluated: 2023-09-18. Review status: criteria provided, single submitter. Criteria: ACMG Guidelines, 2015. Collection method: clinical testing. Allele origin: unknown.

Labcorp Genetics (formerly Invitae), Labcorp
Classification: Likely pathogenic. Last evaluated: 2023-09-08. Review status: criteria provided, single submitter. Criteria: Invitae Variant Classification Sherloc (09022015). Collection method: clinical testing. Allele origin: germline.
Comment: In summary, the currently available evidence indicates that the variant is pathogenic, but additional data are needed to prove that conclusively. Therefore, this variant has been classified as Likely Pathogenic. This variant disrupts the p.Met404 amino acid residue in RARS2. Other variant(s) that disrupt this residue have been observed in individuals with RARS2-related conditions (PMID: 22086604), which suggests that this may be a clinically significant amino acid residue. Algorithms developed to predict the effect of sequence changes on RNA splicing suggest that this variant may disrupt the consensus splice site. Advanced modeling of protein sequence and biophysical properties (such as structural, functional, and spatial information, amino acid conservation, physicochemical variation, residue mobility, and thermodynamic stability) performed at Invitae indicates that this missense variant is not expected to disrupt RARS2 protein function. This missense change has been observed in individual(s) with clinical features of pontocerebellar hypoplasia (PMID: 32571458, 35468344). In at least one individual the data is consistent with being in trans (on the opposite chromosome) from a pathogenic variant. This variant is present in population databases (rs753913206, gnomAD 0.006%). This sequence change replaces methionine, which is neutral and non-polar, with valine, which is neutral and non-polar, at codon 404 of the RARS2 protein (p.Met404Val).

Juno Genomics, Hangzhou Juno Genomics, Inc
Classification: Likely pathogenic for Pontocerebellar hypoplasia type 6. Review status: criteria provided, single submitter. Criteria: ACMG Guidelines, 2015. Collection method: clinical testing. Allele origin: germline.
Comment: Absent from controls (or at extremely low frequency if recessive) in Genome Aggregation Database.;Multiple lines of computational evidence support a deleterious effect on the gene or gene product.;For recessive disorders, detected in trans with a pathogenic variant.

Literature cited by the submitters: PubMed 35468344 (cited by Natera, Inc. and Labcorp Genetics (formerly Invitae), Labcorp); PubMed 22086604 (cited by Labcorp Genetics (formerly Invitae), Labcorp); PubMed 32571458 (cited by Labcorp Genetics (formerly Invitae), Labcorp).